The following is an entry in ClinVar:

ClinVar aggregate classification (germline): Likely pathogenic. Review status: criteria provided, single submitter (1 of 4 stars). 3 submissions from 3 submitters: Likely pathogenic (1). 2 of the submissions do not count toward it. Last evaluated 2023-09-21.

Conditions:
Charcot-Marie-Tooth disease axonal type 2Z. Also called: CHARCOT-MARIE-TOOTH DISEASE, AXONAL, AUTOSOMAL DOMINANT, TYPE 2Z; CHARCOT-MARIE-TOOTH NEUROPATHY, TYPE 2Z. Identifiers: Orphanet 466768, MedGen C5569025, MONDO:0014736, OMIM 616688.
Charcot-Marie-Tooth disease. Also called: Charcot-Marie-Tooth Neuropathy; Charcot-Marie-Tooth Hereditary Neuropathy. Identifiers: Orphanet 166, MedGen C0007959, MONDO:0015626.

Submissions (3):

Labcorp Genetics (formerly Invitae), Labcorp
Classification: Likely pathogenic for Charcot-Marie-Tooth disease axonal type 2Z. Last evaluated: 2023-09-21. Review status: criteria provided, single submitter. Criteria: Invitae Variant Classification Sherloc (09022015). Collection method: clinical testing. Allele origin: germline.
Comment: This sequence change replaces alanine, which is neutral and non-polar, with valine, which is neutral and non-polar, at codon 406 of the MORC2 protein (p.Ala406Val). This variant is not present in population databases (gnomAD no frequency). This missense change has been observed in individuals with Charcot-Marie-Tooth disease type 2 (PMID: 33844363, 34189813; Invitae). In summary, the currently available evidence indicates that the variant is pathogenic, but additional data are needed to prove that conclusively. Therefore, this variant has been classified as Likely Pathogenic. An algorithm developed to predict the effect of missense changes on protein structure and function (PolyPhen-2) suggests that this variant is likely to be tolerated. ClinVar contains an entry for this variant (Variation ID: 694959).

Genesis Genome Database
Classification: Uncertain significance for Charcot-Marie-Tooth disease. Last evaluated: 2019-08-14. Review status: no assertion criteria provided. Collection method: research. Allele origin: germline. Affected: yes. Not counted in ClinVar's aggregate classification.

Inherited Neuropathy Consortium
Classification: Uncertain significance. Review status: no assertion criteria provided. Collection method: provider interpretation. Allele origin: inherited. Affected: yes. Not counted in ClinVar's aggregate classification.

Literature cited by the submitters: PubMed 33844363 (cited by Labcorp Genetics (formerly Invitae), Labcorp); PubMed 34189813 (cited by Labcorp Genetics (formerly Invitae), Labcorp).

NM_001303256.3(MORC2):c.1217C>T (p.Ala406Val)

Gene: MORC2 (MORC family CW-type zinc finger 2; minus strand). Cytogenetic location: 22q12.2.
Variant type: single nucleotide variant.
Coding change: c.1217C>T on transcript NM_001303256.3 (MANE Select); coding-DNA position 1217, C replaced by T.
Protein change: p.Ala406Val; replaces alanine 406 with valine.
Molecular consequence: missense variant.
Genome position (GRCh38, 1-based): chr22:30,937,967, G>A on the plus strand (C>T on the coding strand, the complement: MORC2 is on the minus strand). VCF-style: chr22-30937967-G-A. GRCh37 (hg19) VCF-style: chr22-31333954-G-A.
Other names: c.1217C>T, p.Ala406Val (NM_001303257.2); c.1031C>T, p.Ala344Val (NM_014941.3); short protein forms A344V, A406V.
Identifiers: ClinVar variation 694959 (VCV000694959.12), dbSNP rs1602485728, ClinGen allele CA411239143.
Genomic context (GRCh38, chr22:30,937,967, plus strand): 5'-TTGTGTGTAGGCTCCAGGACCAGGTAGGGCACATCAACAACCCCAACAACCCCGCCACAT[G>A]CCCTACAGGGAGAAAGAGAACAAGCTCTGTCACCCCACTGGCAACGCCCTCCTGCCAACT-3'
Protein context (NP_001290185.1, residues 396-416): KVGPQLEGGM[Ala406Val]CGGVVGVVDV